The following is an entry in ClinVar:

NM_000459.5(TEK):c.1172C>T (p.Thr391Ile)

Gene: TEK (TEK receptor tyrosine kinase; plus strand). Cytogenetic location: 9p21.2.
Variant type: single nucleotide variant.
Coding change: c.1172C>T on transcript NM_000459.5 (MANE Select); coding-DNA position 1172, C replaced by T.
Protein change: p.Thr391Ile; replaces threonine 391 with isoleucine.
Molecular consequence: missense variant.
Genome position (GRCh38, 1-based): chr9:27,183,600, C>T. VCF-style: chr9-27183600-C-T. GRCh37 (hg19) VCF-style: chr9-27183598-C-T.
Other names: c.1043C>T, p.Thr348Ile (NM_001290077.2, NM_001375476.1); c.731C>T, p.Thr244Ile (NM_001290078.2); c.1172C>T, p.Thr391Ile (NM_001375475.1); short protein forms T391I, T348I, T244I.
Identifiers: ClinVar variation 366415 (VCV000366415.16), dbSNP rs34032300, ClinGen allele CA5016136.

ClinVar aggregate classification (germline): Benign. Review status: criteria provided, multiple submitters, no conflicts (2 of 4 stars). 4 submissions from 4 submitters: Benign (4). Last evaluated 2025-12-21.

Conditions:
Multiple cutaneous and mucosal venous malformations (VMCM). Also called: TEK-Related Multiple Cutaneous and Mucosal Venous Malformations (VMCM). Identifiers: Orphanet 2451, MedGen C1838437, MONDO:0010842, OMIM 600195.

Allele frequency attached by ClinVar (database versions not stated): gnomAD exomes 0.00133 and 0.00359; 1000 Genomes Project 0.01298; 1000 Genomes Project 30x 0.01437; gnomAD 0.01461 and 0.01358; ExAC 0.00436; TOPMed 0.01491; ESP Exome Variant Server 0.01515.
gnomAD v4.1: 4,055 of 1,613,850 alleles (0.25%); highest among the groups gnomAD compares: African/African-American, 4.8%; 79 homozygotes.

Submissions (4):

Labcorp Genetics (formerly Invitae), Labcorp
Classification: Benign. Last evaluated: 2025-12-21. Review status: criteria provided, single submitter. Criteria: Invitae Variant Classification Sherloc (09022015). Collection method: clinical testing. Allele origin: germline.

Mayo Clinic Laboratories, Mayo Clinic
Classification: Benign. Last evaluated: 2023-02-23. Review status: criteria provided, single submitter. Criteria: ACMG Guidelines, 2015. Collection method: clinical testing. Allele origin: germline. Observed: 11 variant alleles.
Comment: BA1, BP4

Illumina Laboratory Services, Illumina
Classification: Benign for Multiple cutaneous and mucosal venous malformations. Last evaluated: 2018-01-13. Review status: criteria provided, single submitter. Criteria: ICSL Variant Classification Criteria 13 December 2019. Collection method: clinical testing. Allele origin: germline.
Comment: This variant was observed in the ICSL laboratory as part of a predisposition screen in an ostensibly healthy population. It had not been previously curated by ICSL or reported in the Human Gene Mutation Database (HGMD: prior to June 1st, 2018), and was therefore a candidate for classification through an automated scoring system. Utilizing variant allele frequency, disease prevalence and penetrance estimates, and inheritance mode, an automated score was calculated to assess if this variant is too frequent to cause the disease. Based on the score and internal cut-off values, a variant classified as benign is not then subjected to further curation. The score for this variant resulted in a classification of benign for this disease.

Breakthrough Genomics
Classification: Benign. Review status: criteria provided, single submitter. Criteria: ACMG Guidelines, 2015. Collection method: not provided. Allele origin: germline. Inheritance: Autosomal dominant inheritance. Affected: yes.